The following is an entry in ClinVar:

NM_000492.3(CFTR):c.-566A>G

Genes: CFTR (CF transmembrane conductance regulator; plus strand), LOC111674463 (CFTR promoter region; plus strand). Cytogenetic location: 7q31.2.
Variant type: single nucleotide variant.
Coding change: c.-566A>G on transcript NM_000492.3; 566 bases upstream of the start codon, A replaced by G.
Genome position (GRCh38, 1-based): chr7:117,479,529, A>G. VCF-style: chr7-117479529-A-G. GRCh37 (hg19) VCF-style: chr7-117119583-A-G.
Identifiers: ClinVar variation 3076101 (VCV003076101.1), dbSNP rs2485607636, ClinGen allele CA2825001511.
Genomic context (GRCh38, chr7:117,479,529, plus strand): 5'-ACTAGGATCATCGGGAAAAGGAGGAGGAGGAGGAAGGCAGGCTCCGGGGAAGCTGGTGGC[A>G]GCGGGTCCTGGGTCTGGCGGACCCTGACGCGAAGGAGGGTCTAGGAAGCTCTCCGGGGAG-3'

ClinVar aggregate classification (germline): Uncertain significance (1 of 4 stars; one submission).

Conditions:
Cystic fibrosis (CF). Also called: MUCOVISCIDOSIS. Identifiers: Orphanet 586, MedGen C0010674, MONDO:0009061, OMIM 219700. Disease mechanism: loss of function.

Submission:

Ambry Genetics
Classification: Uncertain significance for Cystic fibrosis. Last evaluated: 2015-02-13. Review status: criteria provided, single submitter. Criteria: Ambry Variant Classification Scheme 2023. Collection method: clinical testing. Allele origin: germline.
Comment: The c.-566A>G alteration is located in the 5' untranslated region (5'UTR) of the CFTR gene. This alteration consists of a A to G substitution nucleotides upstream from the first translated codon. Based on insufficient or conflicting evidence, the clinical significance of this alteration remains unclear.